The following is an entry in ClinVar:

ClinVar aggregate classification (germline): Uncertain significance (1 of 4 stars; one submission).

Conditions:
Hereditary cancer-predisposing syndrome. Also called: Neoplastic Syndromes, Hereditary; Tumor predisposition; Hereditary neoplastic syndrome; Hereditary Cancer Syndrome. Identifiers: Orphanet 140162, MedGen C0027672, MeSH D009386, MONDO:0015356.

Submission:

Ambry Genetics
Classification: Uncertain significance for Hereditary cancer-predisposing syndrome. Last evaluated: 2026-07-07. Review status: criteria provided, single submitter. Criteria: Ambry Variant Classification Scheme 2023. Collection method: clinical testing. Allele origin: germline.
Comment: The p.G1413A variant (also known as c.4238G>C), located in coding exon 29 of the SMARCA4 gene, results from a G to C substitution at nucleotide position 4238. The glycine at codon 1413 is replaced by alanine, an amino acid with similar properties. This amino acid position is conserved. In addition, this alteration is predicted to be tolerated by in silico analysis. Based on the available evidence, the clinical significance of this variant remains unclear.

NM_001387283.1(SMARCA4):c.4238G>C (p.Gly1413Ala)

Gene: SMARCA4 (SWI/SNF related BAF chromatin remodeling complex subunit ATPase 4; plus strand). Cytogenetic location: 19p13.2.
Variant type: single nucleotide variant.
Coding change: c.4238G>C on transcript NM_001387283.1 (MANE Plus Clinical); coding-DNA position 4238, G replaced by C.
Protein change: p.Gly1413Ala; replaces glycine 1413 with alanine.
Molecular consequence: missense variant. On other transcripts: intron variant (7).
Genome position (GRCh38, 1-based): chr19:11,039,525, G>C. VCF-style: chr19-11039525-G-C. GRCh37 (hg19) VCF-style: chr19-11150201-G-C.
Other names: c.4238G>C, p.Gly1413Ala (NM_001128849.3); c.4139G>C, p.Gly1380Ala (NM_001411150.1); c.4171-1782G>C (NM_001128844.3, NM_003072.5); c.4072-1782G>C (NM_001128847.4, NM_001374457.1, NM_001128848.2); c.4072-1773G>C (NM_001128845.2, NM_001128846.2); short protein forms G1380A, G1413A.
Identifiers: ClinVar variation 5029856 (VCV005029856.1).